The following is an entry in ClinVar:

ClinVar aggregate classification (germline): Benign/Likely benign. Review status: criteria provided, multiple submitters, no conflicts (2 of 4 stars). 5 submissions from 5 submitters: Benign (1); Likely benign (4). Last evaluated 2025-12-30.

Conditions:
Melanoma, cutaneous malignant, susceptibility to, 5. Also called: Cutaneous malignant melanoma 5. Identifiers: Orphanet 618, MedGen C2751295, MONDO:0013133, OMIM 613099.

Allele frequency attached by ClinVar (database versions not stated): ESP Exome Variant Server 0.00046; TOPMed 0.00061; gnomAD exomes 0.00066; ExAC 0.00084; gnomAD 0.00105.
gnomAD v4.1: 1,467 of 1,606,508 alleles (0.091%); highest among the groups gnomAD compares: Non-Finnish European, 0.11%; 1 homozygote.

Submissions (5):

Labcorp Genetics (formerly Invitae), Labcorp
Classification: Benign for Melanoma, cutaneous malignant, susceptibility to, 5. Last evaluated: 2025-12-30. Review status: criteria provided, single submitter. Criteria: Invitae Variant Classification Sherloc (09022015). Collection method: clinical testing. Allele origin: germline.

ARUP Laboratories, Molecular Genetics and Genomics, ARUP Laboratories
Classification: Likely benign. Last evaluated: 2025-05-07. Review status: criteria provided, single submitter. Criteria: ARUP Molecular Germline Variant Investigation Process 2024. Collection method: clinical testing. Allele origin: germline.

Blueprint Genetics
Classification: Likely benign. Last evaluated: 2024-11-07. Review status: criteria provided, single submitter. Criteria: ACMG Guidelines, 2015. Collection method: clinical testing. Allele origin: germline.

Ambry Genetics
Classification: Likely benign. Last evaluated: 2024-10-02. Review status: criteria provided, single submitter. Criteria: Ambry Variant Classification Scheme 2023. Collection method: clinical testing. Allele origin: germline.

Illumina Laboratory Services, Illumina
Classification: Likely benign for Melanoma, cutaneous malignant, susceptibility to, 5. Last evaluated: 2017-04-27. Review status: criteria provided, single submitter. Criteria: ICSL Variant Classification Criteria 13 December 2019. Collection method: clinical testing. Allele origin: germline.
Comment: This variant was observed as part of a predisposition screen in an ostensibly healthy population. A literature search was performed for the gene, cDNA change, and amino acid change (where applicable). Publications were found based on this search. The evidence from the literature, in combination with allele frequency data from public databases where available, was sufficient to determine this variant is unlikely to cause disease. Therefore, this variant is classified as likely benign.

Literature cited by the submitters: PubMed 20876876 (cited by Illumina Laboratory Services, Illumina).

NM_002386.4(MC1R):c.399C>T (p.Cys133=)

Gene: MC1R (melanocortin 1 receptor; plus strand). Cytogenetic location: 16q24.3.
Variant type: single nucleotide variant.
Coding change: c.399C>T on transcript NM_002386.4 (MANE Select); coding-DNA position 399, C replaced by T.
Protein change: p.Cys133=; no amino-acid change (cysteine 133 retained).
Molecular consequence: synonymous variant.
Genome position (GRCh38, 1-based): chr16:89,919,657, C>T. VCF-style: chr16-89919657-C-T. GRCh37 (hg19) VCF-style: chr16-89986065-C-T.
Identifiers: ClinVar variation 321427 (VCV000321427.18), dbSNP rs201429598, ClinGen allele CA8255577.